The following is an entry in ClinVar:

ClinVar aggregate classification (germline): Uncertain significance. Review status: criteria provided, multiple submitters, no conflicts (2 of 4 stars). 6 submissions from 6 submitters: Uncertain significance (5). 1 of the submissions does not count toward it. Last evaluated 2025-08-08.

Conditions:
Autosomal recessive Alport syndrome (ATS2). Also called: Alport syndrome type 2; ALPORT SYNDROME 2, AUTOSOMAL RECESSIVE; COL4A3-Related Nephropathy; COL4A4 Alport Syndrome and Thin Basement Membrane Nephropathy. Identifiers: Orphanet 63, Orphanet 88919, MedGen C4746745, MONDO:0008762, OMIM 203780.
Benign familial hematuria. Also called: thin basement membrane disease. Identifiers: MedGen C0241908, MONDO:0957317.
Alport syndrome. Also called: Hemorrhagic familial nephritis; Hemorrhagic hereditary nephritis; Congenital hereditary hematuria. Identifiers: Orphanet 63, MedGen C1567741, MONDO:0018965.

Allele frequency attached by ClinVar (database versions not stated): gnomAD 0.00005 and 0.00006; gnomAD exomes 0.00005 and 0.00019; ExAC 0.00004; TOPMed 0.00011.
gnomAD v4.1: 302 of 1,613,396 alleles (0.019%); highest among the groups gnomAD compares: Non-Finnish European, 0.023%; 1 homozygote.

Submissions (6):

Mayo Clinic Laboratories, Mayo Clinic
Classification: Uncertain significance. Last evaluated: 2025-08-08. Review status: criteria provided, single submitter. Criteria: ACMG Guidelines, 2015. Collection method: clinical testing. Allele origin: germline. Observed: 1 variant allele.
Comment: BP4

GeneDx
Classification: Uncertain significance. Last evaluated: 2025-05-16. Review status: criteria provided, single submitter. Criteria: GeneDx Variant Classification Process June 2021. Collection method: clinical testing. Allele origin: germline. Affected: yes.
Comment: In silico analysis suggests that this missense variant does not alter protein structure/function; Occurs in the triple helical domain within an interruption of the canonical Gly-X-Y repeat; Has not been previously published as pathogenic or benign to our knowledge

Labcorp Genetics (formerly Invitae), Labcorp
Classification: Uncertain significance. Last evaluated: 2025-01-01. Review status: criteria provided, single submitter. Criteria: Invitae Variant Classification Sherloc (09022015). Collection method: clinical testing. Allele origin: germline.
Comment: This sequence change replaces valine, which is neutral and non-polar, with isoleucine, which is neutral and non-polar, at codon 260 of the COL4A4 protein (p.Val260Ile). This variant is present in population databases (rs775358063, gnomAD 0.01%). This variant has not been reported in the literature in individuals affected with COL4A4-related conditions. ClinVar contains an entry for this variant (Variation ID: 897651). Invitae Evidence Modeling of protein sequence and biophysical properties (such as structural, functional, and spatial information, amino acid conservation, physicochemical variation, residue mobility, and thermodynamic stability) indicates that this missense variant is not expected to disrupt COL4A4 protein function with a negative predictive value of 95%. In summary, the available evidence is currently insufficient to determine the role of this variant in disease. Therefore, it has been classified as a Variant of Uncertain Significance.

Fulgent Genetics
Classification: Uncertain significance for Hematuria, benign familial, 1; Autosomal recessive Alport syndrome. Last evaluated: 2021-11-16. Review status: criteria provided, single submitter. Criteria: ACMG Guidelines, 2015. Collection method: clinical testing. Allele origin: unknown.

Illumina Laboratory Services, Illumina
Classification: Uncertain significance for Alport syndrome. Last evaluated: 2018-01-13. Review status: criteria provided, single submitter. Criteria: ICSL Variant Classification Criteria 13 December 2019. Collection method: clinical testing. Allele origin: germline.

Natera, Inc.
Classification: Uncertain significance for Alport syndrome. Last evaluated: 2020-02-13. Review status: no assertion criteria provided. Collection method: clinical testing. Allele origin: germline. Not counted in ClinVar's aggregate classification.

NM_000092.5(COL4A4):c.778G>A (p.Val260Ile)

Gene: COL4A4 (collagen type IV alpha 4 chain; minus strand). Cytogenetic location: 2q36.3.
Variant type: single nucleotide variant.
Coding change: c.778G>A on transcript NM_000092.5 (MANE Select); coding-DNA position 778, G replaced by A.
Protein change: p.Val260Ile; replaces valine 260 with isoleucine.
Molecular consequence: missense variant.
Genome position (GRCh38, 1-based): chr2:227,104,010, C>T on the plus strand (G>A on the coding strand, the complement: COL4A4 is on the minus strand). VCF-style: chr2-227104010-C-T. GRCh37 (hg19) VCF-style: chr2-227968726-C-T.
Other names: p.Val260Ile; short protein forms V260I.
Identifiers: ClinVar variation 897651 (VCV000897651.15), dbSNP rs775358063, ClinGen allele CA2145431.